The following is an entry in ClinVar:

ClinVar aggregate classification (germline): Uncertain significance (1 of 4 stars; one submission).

Conditions:
Complex cortical dysplasia with other brain malformations 6. Identifiers: MedGen C4014283, MONDO:0014341, OMIM 615771.

Submission:

UAEU Genomics Laboratory, United Arab Emirates University
Classification: Uncertain significance for Complex cortical dysplasia with other brain malformations 6. Last evaluated: 2023-11-07. Review status: criteria provided, single submitter. Criteria: ACMG Guidelines, 2015. Collection method: research. Allele origin: unknown. Affected: yes. Observed: 1 variant allele.
Comment: PM2, PP2, PP3

NM_178014.4(TUBB):c.299A>T (p.Asn100Ile)

Gene: TUBB (tubulin beta class I; plus strand). Cytogenetic location: 6p21.33.
Variant type: single nucleotide variant.
Coding change: c.299A>T on transcript NM_178014.4 (MANE Select); coding-DNA position 299, A replaced by T.
Protein change: p.Asn100Ile; replaces asparagine 100 with isoleucine.
Molecular consequence: missense variant.
Genome position (GRCh38, 1-based): chr6:30,723,361, A>T. VCF-style: chr6-30723361-A-T. GRCh37 (hg19) VCF-style: chr6-30691138-A-T.
Other names: c.83A>T, p.Asn28Ile (NM_001293216.2, NM_001293215.2); c.359A>T, p.Asn120Ile (NM_001293212.2); c.299A>T, p.Asn100Ile (NM_001293213.2); c.167A>T, p.Asn56Ile (NM_001293214.2); short protein forms N100I, N120I, N28I, N56I.
Identifiers: ClinVar variation 5043330 (VCV005043330.1).